The following is an entry in ClinVar:

NM_006245.4(PPP2R5D):c.37A>G (p.Lys13Glu)

Gene: PPP2R5D (protein phosphatase 2 regulatory subunit B'delta; plus strand). Cytogenetic location: 6p21.1.
Variant type: single nucleotide variant.
Coding change: c.37A>G on transcript NM_006245.4 (MANE Select); coding-DNA position 37, A replaced by G.
Protein change: p.Lys13Glu; replaces lysine 13 with glutamic acid.
Molecular consequence: missense variant. On other transcripts: 5 prime UTR variant (1), intron variant (1).
Genome position (GRCh38, 1-based): chr6:42,989,620, A>G. VCF-style: chr6-42989620-A-G. GRCh37 (hg19) VCF-style: chr6-42957358-A-G.
Other names: c.-434A>G (NM_001270476.2); c.37A>G, p.Lys13Glu (NM_180976.3); c.27+4916A>G (NM_180977.3); short protein forms K13E.
Identifiers: ClinVar variation 2101435 (VCV002101435.4), dbSNP rs1264664886, ClinGen allele CA364174637.

ClinVar aggregate classification (germline): Uncertain significance (1 of 4 stars; one submission).

Allele frequency attached by ClinVar (database versions not stated): TOPMed below 0.00001.

Submission:

Labcorp Genetics (formerly Invitae), Labcorp
Classification: Uncertain significance. Last evaluated: 2022-04-08. Review status: criteria provided, single submitter. Criteria: Invitae Variant Classification Sherloc (09022015). Collection method: clinical testing. Allele origin: germline.
Comment: This variant has not been reported in the literature in individuals affected with PPP2R5D-related conditions. This variant is not present in population databases (gnomAD no frequency). This sequence change replaces lysine, which is basic and polar, with glutamic acid, which is acidic and polar, at codon 13 of the PPP2R5D protein (p.Lys13Glu). In summary, the available evidence is currently insufficient to determine the role of this variant in disease. Therefore, it has been classified as a Variant of Uncertain Significance. Algorithms developed to predict the effect of missense changes on protein structure and function (SIFT, PolyPhen-2, Align-GVGD) all suggest that this variant is likely to be tolerated.